The following is an entry in ClinVar:

ClinVar aggregate classification (germline): Uncertain significance. Review status: criteria provided, multiple submitters, no conflicts (2 of 4 stars). 3 submissions from 3 submitters: Uncertain significance (2). 1 of the submissions does not count toward it. Last evaluated 2023-02-06.

Conditions:
Emery-Dreifuss muscular dystrophy 4, autosomal dominant (EDMD4). Also called: EMERY-DREIFUSS MUSCULAR DYSTROPHY 4 WITH VARIABLE FEATURES. Identifiers: Orphanet 261, MedGen C2751807, MONDO:0013071, OMIM 612998.
Autosomal recessive ataxia, Beauce type. Also called: SYNE1-Related Autosomal Recessive Cerebellar Ataxia; Spinocerebellar ataxia, autosomal recessive 8; ATAXIA, RECESSIVE, OF BEAUCE; SYNE1 Deficiency. Identifiers: Orphanet 88644, MedGen C1853116, MONDO:0012549, OMIM 610743.

Allele frequency attached by ClinVar (database versions not stated): gnomAD exomes 0.00002.
gnomAD v4.1: 11 of 1,614,140 alleles (0.00068%); highest among the groups gnomAD compares: Non-Finnish European, 0.00093%; no homozygotes.

Submissions (3):

Revvity Omics, Revvity
Classification: Uncertain significance. Last evaluated: 2023-02-06. Review status: criteria provided, single submitter. Criteria: ACMG Guidelines, 2015. Collection method: clinical testing. Allele origin: germline.

Labcorp Genetics (formerly Invitae), Labcorp
Classification: Uncertain significance for Emery-Dreifuss muscular dystrophy 4, autosomal dominant; Autosomal recessive ataxia, Beauce type. Last evaluated: 2021-12-02. Review status: criteria provided, single submitter. Criteria: Invitae Variant Classification Sherloc (09022015). Collection method: clinical testing. Allele origin: germline.
Comment: This sequence change replaces glycine, which is neutral and non-polar, with alanine, which is neutral and non-polar, at codon 4441 of the SYNE1 protein (p.Gly4441Ala). In summary, the available evidence is currently insufficient to determine the role of this variant in disease. Therefore, it has been classified as a Variant of Uncertain Significance. Algorithms developed to predict the effect of missense changes on protein structure and function are either unavailable or do not agree on the potential impact of this missense change (SIFT: "Deleterious"; PolyPhen-2: "Benign"; Align-GVGD: "Class C55"). This variant has not been reported in the literature in individuals affected with SYNE1-related conditions. This variant is not present in population databases (gnomAD no frequency).

Zotz-Klimas Genetics Lab, MVZ Zotz Klimas
Classification: Uncertain significance for Emery-Dreifuss muscular dystrophy 4, autosomal dominant. Last evaluated: 2023-10-30. Review status: no assertion criteria provided. Collection method: clinical testing. Allele origin: germline. Affected: yes. Not counted in ClinVar's aggregate classification.

NM_182961.4(SYNE1):c.13535G>C (p.Gly4512Ala)

Gene: SYNE1 (spectrin repeat containing nuclear envelope protein 1; minus strand). Cytogenetic location: 6q25.2.
Variant type: single nucleotide variant.
Coding change: c.13535G>C on transcript NM_182961.4 (MANE Select); coding-DNA position 13535, G replaced by C.
Protein change: p.Gly4512Ala; replaces glycine 4512 with alanine.
Molecular consequence: missense variant.
Genome position (GRCh38, 1-based): chr6:152,331,150, C>G on the plus strand (G>C on the coding strand, the complement: SYNE1 is on the minus strand). VCF-style: chr6-152331150-C-G. GRCh37 (hg19) VCF-style: chr6-152652285-C-G.
Other names: c.13322G>C (NM_033071.3); c.13322G>C, p.Gly4441Ala (NM_033071.5); short protein forms G4512A, G4441A.
Identifiers: ClinVar variation 1487679 (VCV001487679.11), dbSNP rs933108692, ClinGen allele CA150177596.